The following is an entry in ClinVar:

NM_000166.6(GJB1):c.239A>G (p.Gln80Arg)

Gene: GJB1 (gap junction protein beta 1; plus strand). Cytogenetic location: Xq13.1.
Variant type: single nucleotide variant.
Coding change: c.239A>G on transcript NM_000166.6 (MANE Select); coding-DNA position 239, A replaced by G.
Protein change: p.Gln80Arg; replaces glutamine 80 with arginine.
Molecular consequence: missense variant.
Genome position (GRCh38, 1-based): chrX:71,223,946, A>G. VCF-style: chrX-71223946-A-G. GRCh37 (hg19) VCF-style: chrX-70443796-A-G.
Other names: c.239A>G, p.Gln80Arg (NM_001097642.3); short protein forms Q80R.
Identifiers: ClinVar variation 246096 (VCV000246096.12), dbSNP rs879254097, ClinGen allele CA10584637.

ClinVar aggregate classification (germline): Conflicting classifications of pathogenicity. Review status: criteria provided, conflicting classifications (1 of 4 stars). 5 submissions from 5 submitters: Pathogenic (2); Likely pathogenic (1); Uncertain significance (1). 1 of the submissions does not count toward it. Last evaluated 2025-11-02.

Conditions:
Inborn genetic diseases. Identifiers: MedGen C0950123, MeSH D030342.
Charcot-Marie-Tooth disease. Also called: Charcot-Marie-Tooth Neuropathy; Charcot-Marie-Tooth Hereditary Neuropathy. Identifiers: Orphanet 166, MedGen C0007959, MONDO:0015626.
Charcot-Marie-Tooth Neuropathy X. Identifiers: MedGen CN118851.

Submissions (5):

Labcorp Genetics (formerly Invitae), Labcorp
Classification: Pathogenic for Charcot-Marie-Tooth Neuropathy X. Last evaluated: 2025-11-02. Review status: criteria provided, single submitter. Criteria: Invitae Variant Classification Sherloc (09022015). Collection method: clinical testing. Allele origin: germline.
Comment: This sequence change replaces glutamine, which is neutral and polar, with arginine, which is basic and polar, at codon 80 of the GJB1 protein (p.Gln80Arg). This variant is not present in population databases (gnomAD no frequency). This missense change has been observed in individuals with Charcot-Marie-Tooth disease (PMID: 7580242, 10737979, 17353473; internal data). ClinVar contains an entry for this variant (Variation ID: 246096). Invitae Evidence Modeling of protein sequence and biophysical properties (such as structural, functional, and spatial information, amino acid conservation, physicochemical variation, residue mobility, and thermodynamic stability) indicates that this missense variant is expected to disrupt GJB1 protein function with a positive predictive value of 95%. Experimental studies have shown that this missense change does not substantially affect GJB1 function (PMID: 15006706). This variant disrupts the p.Gln80 amino acid residue in GJB1. Other variant(s) that disrupt this residue have been observed in individuals with GJB1-related conditions (PMID: 22464564, 28286897), which suggests that this may be a clinically significant amino acid residue. For these reasons, this variant has been classified as Pathogenic.

Athena Diagnostics
Classification: Pathogenic. Last evaluated: 2024-08-26. Review status: criteria provided, single submitter. Criteria: Athena Diagnostics Criteria. Collection method: clinical testing. Allele origin: unknown.
Comment: This variant has not been reported in large, multi-ethnic general populations. In some published literature, this variant is referred to as c.301A>G, (p.Gln80Arg). Assessment of experimental evidence regarding the effect of this variant on protein function is inconclusive (PMID: 15006706). This variant has been identified in multiple unrelated individuals with clinical features associated with this gene. This variant occurs as the most likely explanation for disease in a significant number of internal cases, suggesting this variant is associated with disease.

Ambry Genetics
Classification: Uncertain significance for Inborn genetic diseases. Last evaluated: 2022-08-22. Review status: criteria provided, single submitter. Criteria: Ambry Variant Classification Scheme 2023. Collection method: clinical testing. Allele origin: germline.
Comment: The p.Q80R variant (also known as c.239A>G), located in coding exon 1 of the GJB1 gene, results from an A to G substitution at nucleotide position 239. The glutamine at codon 80 is replaced by arginine, an amino acid with highly similar properties. This alteration has been detected in individuals with features consistent with Charcot-Marie-Tooth neuropathy X type 1 (CMTX1); however, clinical details were limited (Mersiyanova IV et al. Hum Mutat, 2000;15:340-7; Ionasescu V et al. Am J Med Genet, 1996 Jun;63:486-91). Functional studies in vitro have shown that Q80R retains its ability to form homotypic junctional channels, similar to wild-type cells (Wang HL et al. Neurobiol Dis, 2004 Mar;15:361-70). This amino acid position is highly conserved in available vertebrate species. In addition, this alteration is predicted to be deleterious by in silico analysis. Since supporting evidence is limited at this time, the clinical significance of this alteration remains unclear.

GeneDx
Classification: Likely pathogenic. Last evaluated: 2021-08-20. Review status: criteria provided, single submitter. Criteria: GeneDx Variant Classification Process June 2021. Collection method: clinical testing. Allele origin: germline. Affected: yes.
Comment: Functional studies show that the Q80R variant is capable of forming a functional gap junction protein, and the authors conclude that further functional studies are necessary to elucidate the effect, if any, of the Q80R variant (Wang et al., 2004); In silico analysis supports that this missense variant has a deleterious effect on protein structure/function; Missense variants in this gene are often considered pathogenic (Stenson et al., 2014); Not observed at significant frequency in large population cohorts (Lek et al., 2016); This variant is associated with the following publications: (PMID: 30042657, 25449862, 15006706, 9361298, 28211240, 17353473, 8737658, 10873293, 10737979, 7580242)

Inherited Neuropathy Consortium
Classification: Uncertain significance for Charcot-Marie-Tooth disease. Review status: no assertion criteria provided. Collection method: literature only. Allele origin: germline. Affected: yes. Not counted in ClinVar's aggregate classification.

Literature cited by the submitters: PubMed 7580242 (cited by Labcorp Genetics (formerly Invitae), Labcorp and Athena Diagnostics); PubMed 10737979 (cited by 4 submitters); PubMed 17353473 (cited by Labcorp Genetics (formerly Invitae), Labcorp and Athena Diagnostics); PubMed 15006706 (cited by 3 submitters); PubMed 22464564 (cited by Labcorp Genetics (formerly Invitae), Labcorp); PubMed 28286897 (cited by Labcorp Genetics (formerly Invitae), Labcorp); PubMed 37284795 (cited by Athena Diagnostics); PubMed 8737658 (cited by Athena Diagnostics and Ambry Genetics); PubMed 10873293 (cited by Athena Diagnostics).